The following is an entry in ClinVar:

ClinVar aggregate classification (germline): Pathogenic. Review status: reviewed by expert panel (3 of 4 stars). 6 submissions from 5 submitters: Pathogenic (1). 5 of the submissions do not count toward it. Last evaluated 2017-03-17.

Conditions:
CFTR-related disorder (CFTR-RD). Also called: CFTR-related disorders; CFTR-related condition. Identifiers: MedGen C5924204, MONDO:7770004.
Cystic fibrosis (CF). Also called: MUCOVISCIDOSIS. Identifiers: Orphanet 586, MedGen C0010674, MONDO:0009061, OMIM 219700. Disease mechanism: loss of function.
Congenital bilateral aplasia of vas deferens from CFTR mutation (CBAVD). Identifiers: Orphanet 48, MedGen C0403814, MONDO:0010178, OMIM 277180. Disease mechanism: loss of function.
Bronchiectasis with or without elevated sweat chloride 1 (BESC1). Also called: Cystic Fibrosis-Like Syndrome. Identifiers: Orphanet 60033, MedGen C2749757, MONDO:0008887, OMIM 211400.

Submissions (6):

CFTR2
Classification: Pathogenic for Cystic fibrosis. Last evaluated: 2017-03-17. Review status: reviewed by expert panel. Criteria: Sosnay PR et al. (Nat Genet 2013). Collection method: research. Allele origin: germline. Affected: yes. Study: CFTR2.

Natera, Inc.
Classification: Pathogenic for CFTR-related disorders. Last evaluated: 2025-12-01. Review status: criteria provided, single submitter. Criteria: Natera Variant Classification Schema (03/2026). Collection method: clinical testing. Allele origin: germline. Not counted in ClinVar's aggregate classification.
Comment: The c.987delA variant in CFTR is a frameshift variant predicted to shift the reading frame beginning at codon 330 and leads to a stop codon 39 codons downstream. This variant is expected to result in nonsense mediated decay, truncation, or a dysfunctional protein product. This variant is rare in the general population with a frequency below the threshold expected for the associated phenotype(s). This variant has been observed in one or more individuals affected with the associated recessive disease, as either homozygous or compound heterozygous with a second variant (PMID: 9150159). Given the available evidence, this variant is classified as Pathogenic.

Baylor Genetics
Classification: Pathogenic for Bronchiectasis with or without elevated sweat chloride 1. Last evaluated: 2023-09-20. Review status: criteria provided, single submitter. Criteria: ACMG Guidelines, 2015. Collection method: clinical testing. Allele origin: unknown. Not counted in ClinVar's aggregate classification.

Labcorp Genetics (formerly Invitae), Labcorp
Classification: Pathogenic for Cystic fibrosis. Last evaluated: 2021-05-17. Review status: criteria provided, single submitter. Criteria: Invitae Variant Classification Sherloc (09022015). Collection method: clinical testing. Allele origin: germline. Not counted in ClinVar's aggregate classification.
Comment: For these reasons, this variant has been classified as Pathogenic. This variant has been observed in individual(s) with autosomal recessive cystic fibrosis (PMID: 9150159). This variant is also known as c.1119delA. ClinVar contains an entry for this variant (Variation ID: 54097). This variant is not present in population databases (ExAC no frequency). This sequence change creates a premature translational stop signal (p.Gly330Glufs*39) in the CFTR gene. It is expected to result in an absent or disrupted protein product. Loss-of-function variants in CFTR are known to be pathogenic (PMID: 1695717, 7691345, 9725922).

Women's Health and Genetics/Laboratory Corporation of America, LabCorp
Classification: Pathogenic for Cystic fibrosis. Last evaluated: 2019-11-04. Review status: criteria provided, single submitter. Criteria: LabCorp Variant Classification Summary - May 2015. Collection method: clinical testing. Allele origin: germline. Not counted in ClinVar's aggregate classification.
Comment: Variant summary: CFTR c.987delA (p.Gly330GlufsX39) results in a premature termination codon, predicted to cause a truncation of the encoded protein or absence of the protein due to nonsense mediated decay, which are commonly known mechanisms for disease. Truncations downstream of this position have been classified as pathogenic by our laboratory. The variant was absent in 251290 control chromosomes. c.987delA has been reported in the literature in individuals affected with Cystic Fibrosis (example Macek_1997, and Ortiz_2017). These data indicate that the variant is likely to be associated with disease. To our knowledge, no experimental evidence demonstrating an impact on protein function has been reported. One expert panel (CFTR2) has submitted clinical-significance assessments for this variant to ClinVar after 2014 and classified the variant as pathogenic. Based on the evidence outlined above, the variant was classified as pathogenic.

Baylor Genetics
Classification: Pathogenic for Congenital bilateral aplasia of vas deferens from CFTR mutation; Cystic fibrosis. Review status: criteria provided, single submitter. Criteria: ACMG Guidelines, 2015. Collection method: clinical testing. Allele origin: germline. Not counted in ClinVar's aggregate classification.

Literature cited by the submitters: PubMed 9150159 (cited by 3 submitters); PubMed 1695717 (cited by Labcorp Genetics (formerly Invitae), Labcorp); PubMed 7691345 (cited by Labcorp Genetics (formerly Invitae), Labcorp); PubMed 9725922 (cited by Labcorp Genetics (formerly Invitae), Labcorp); PubMed 27870577 (cited by Women's Health and Genetics/Laboratory Corporation of America, LabCorp); PubMed 29178639 (cited by Women's Health and Genetics/Laboratory Corporation of America, LabCorp).

NM_000492.4(CFTR):c.987del (p.Gly330fs)

Gene: CFTR (CF transmembrane conductance regulator; plus strand). Cytogenetic location: 7q31.2.
Variant type: Deletion.
Coding change: c.987del on transcript NM_000492.4 (MANE Select); coding-DNA position 987, one base deleted (A; older notation c.987delA).
Protein change: p.Gly330fs; shifts the reading frame from glycine 330.
Molecular consequence: frameshift variant.
Genome position (GRCh38, 1-based): chr7:117,540,217, A deleted; the last of 3 consecutive A bases (chr7:117,540,215-117,540,217); deleting any one gives the same sequence. VCF-style (leftmost placement, unchanged base first): chr7-117540214-CA-C. GRCh37 (hg19) VCF-style: chr7-117180268-CA-C.
Other names: 1119delA; c.987delA (NM_000492.3); short protein forms G330fs.
Identifiers: ClinVar variation 54097 (VCV000054097.14), dbSNP rs397508824, ClinGen allele CA327708.